The following is an entry in ClinVar:

ClinVar aggregate classification (germline): Pathogenic. Review status: criteria provided, multiple submitters, no conflicts (2 of 4 stars). 2 submissions from 2 submitters: Pathogenic (2). Last evaluated 2023-05-02.

Conditions:
Wolfram syndrome 1 (WFS1). Identifiers: Orphanet 3463, MedGen C4551693, MONDO:0009101, OMIM 222300.

Allele frequency attached by ClinVar (database versions not stated): TOPMed 0.00001.
gnomAD v4.1: 3 of 1,612,464 alleles (0.00019%); highest among the groups gnomAD compares: Non-Finnish European, 0.00025%; no homozygotes.

Submissions (2):

Broad Center for Mendelian Genomics, Broad Institute of MIT and Harvard
Classification: Pathogenic for Wolfram syndrome 1. Last evaluated: 2023-05-02. Review status: criteria provided, single submitter. Criteria: ACMG Guidelines, 2015. Collection method: curation. Allele origin: germline. Inheritance: Autosomal recessive inheritance.
Comment: The p.Trp540Ter variant in WFS1 has been previously reported in one individual with Wolfram syndrome 1 (PMID: 23981289, PMID: 26025012), but was absent from population databases. This previously reported individual was a compound heterozygote who carried a likely pathogenic variant in trans (PMID: 23981289, PMID: 26025012, ClinVar Variation ID: 620589), which increases the likelihood that the p.Trp540Ter variant in WFS1 is pathogenic. This variant has also been reported in ClinVar (Variation ID: 929945) and has been interpreted as pathogenic by the Laboratory for Molecular Medicine, Mass General Brigham Personalized Medicine. This nonsense variant leads to a premature termination codon at position 540. This alteration occurs within the last exon and is more likely to escape nonsense mediated decay (NMD) and result in a truncated protein. Loss of function of the WFS1 gene is an established disease mechanism in autosomal recessive Wolfram syndrome 1. In summary, this variant meets criteria to be classified as pathogenic for autosomal recessive Wolfram syndrome 1. ACMG/AMP Criteria applied: PVS1_Strong, PM3_Strong, PM2_Supporting (Richards 2015).

Laboratory for Molecular Medicine, Mass General Brigham Personalized Medicine
Classification: Pathogenic for Wolfram syndrome. Last evaluated: 2020-01-22. Review status: criteria provided, single submitter. Criteria: LMM Criteria. Collection method: clinical testing. Allele origin: germline. Inheritance: Autosomal recessive inheritance. Observed: 1 variant allele.
Comment: It was absent from large population studies. This nonsense variant leads to a premature termination codon at position 540. This alteration occurs within the last exon and is, therefore, likely to escape nonsense mediated decay (NMD) and result in a truncated protein. Another variant, c.1619G>A, resulting in the same stop codon has been identified in homozygous state in two siblings with clinical features of Wolfram syndrome (Zmyslowska et al 2011). In summary, this variant meets criteria to be classified as pathogenic for autosomal recessive Wolfram syndrome. ACMG/AMP Criteria applied: PVS1_Strong, PM2, PM3_Strong.

Literature cited by the submitters: PubMed 23981289 (cited by Laboratory for Molecular Medicine, Mass General Brigham Personalized Medicine); PubMed 26025012 (cited by Laboratory for Molecular Medicine, Mass General Brigham Personalized Medicine).

NM_006005.3(WFS1):c.1620G>A (p.Trp540Ter)

Gene: WFS1 (wolframin ER transmembrane glycoprotein; plus strand). Cytogenetic location: 4p16.1.
Variant type: single nucleotide variant.
Coding change: c.1620G>A on transcript NM_006005.3 (MANE Select); coding-DNA position 1620, G replaced by A.
Protein change: p.Trp540Ter; replaces tryptophan 540 with a stop codon.
Molecular consequence: nonsense.
Genome position (GRCh38, 1-based): chr4:6,301,415, G>A. VCF-style: chr4-6301415-G-A. GRCh37 (hg19) VCF-style: chr4-6303142-G-A.
Other names: NM_006005.3(WFS1):c.1620G>A; p.Trp540Ter; c.1620G>A, p.Trp540Ter (NM_001145853.1); short protein forms W540*.
Identifiers: ClinVar variation 929945 (VCV000929945.6), dbSNP rs1038816435, ClinGen allele CA91796398.